The following is an entry in ClinVar:

ClinVar aggregate classification (germline): Uncertain significance (1 of 4 stars; one submission).

Conditions:
Cardiovascular phenotype. Identifiers: MedGen CN230736.

Allele frequency attached by ClinVar (database versions not stated): gnomAD exomes below 0.00001; gnomAD 0.00001.
gnomAD v4.1: 2 of 1,614,086 alleles (0.00012%); highest among the groups gnomAD compares: South Asian, 0.0011%; no homozygotes.

Submission:

Ambry Genetics
Classification: Uncertain significance for Cardiovascular phenotype. Last evaluated: 2020-10-13. Review status: criteria provided, single submitter. Criteria: Ambry Variant Classification Scheme 2023. Collection method: clinical testing. Allele origin: germline.
Comment: The p.G2014D variant (also known as c.6041G>A), located in coding exon 24 of the DSP gene, results from a G to A substitution at nucleotide position 6041. The glycine at codon 2014 is replaced by aspartic acid, an amino acid with similar properties. This amino acid position is highly conserved in available vertebrate species. In addition, the in silico prediction for this alteration is inconclusive. Since supporting evidence is limited at this time, the clinical significance of this alteration remains unclear.

NM_004415.4(DSP):c.6041G>A (p.Gly2014Asp)

Gene: DSP (desmoplakin; plus strand). Cytogenetic location: 6p24.3.
Variant type: single nucleotide variant.
Coding change: c.6041G>A on transcript NM_004415.4 (MANE Select); coding-DNA position 6041, G replaced by A.
Protein change: p.Gly2014Asp; replaces glycine 2014 with aspartic acid.
Molecular consequence: missense variant.
Genome position (GRCh38, 1-based): chr6:7,583,303, G>A. VCF-style: chr6-7583303-G-A. GRCh37 (hg19) VCF-style: chr6-7583536-G-A.
Other names: c.4244G>A, p.Gly1415Asp (NM_001008844.3); c.4712G>A, p.Gly1571Asp (NM_001319034.2); short protein forms G1571D, G1415D, G2014D.
Identifiers: ClinVar variation 1751242 (VCV001751242.2), dbSNP rs1470983327, ClinGen allele CA362689962.